The following is an entry in ClinVar:

NM_033364.4(CFAP91):c.852del (p.Ile285fs)

Gene: CFAP91 (cilia and flagella associated protein 91; plus strand). Cytogenetic location: 3q13.33.
Variant type: Deletion.
Coding change: c.852del on transcript NM_033364.4 (MANE Select); coding-DNA position 852, one base deleted (G; older notation c.852delG).
Protein change: p.Ile285fs; shifts the reading frame from isoleucine 285.
Molecular consequence: frameshift variant.
Genome position (GRCh38, 1-based): chr3:119,726,340, G deleted. VCF-style (leftmost placement, unchanged base first): chr3-119726339-AG-A. GRCh37 (hg19) VCF-style: chr3-119445186-AG-A.
Other names: c.792del, p.Ile265fs (NM_001320316.2); c.666del, p.Ile223fs (NM_001320317.2); c.474del, p.Ile159fs (NM_001320318.2); c.852delG (NM_033364.4); short protein forms I159fs, I223fs, I265fs, I285fs.
Identifiers: ClinVar variation 4845825 (VCV004845825.1).

ClinVar aggregate classification (germline): Likely pathogenic (1 of 4 stars; one submission).

Conditions:
Spermatogenic failure 51. Identifiers: MedGen C5543033, MONDO:0030926, OMIM 619177.

Submission:

First Genomix Gene Laboratory, Genetic Diagnostics Department
Classification: Likely pathogenic for Spermatogenic failure 51. Last evaluated: 2025-03-27. Review status: criteria provided, single submitter. Criteria: ACMG Guidelines, 2015. Collection method: clinical testing. Allele origin: germline. Inheritance: Autosomal recessive inheritance. Affected: no. Observed: 1 variant allele.